The following is an entry in ClinVar:

ClinVar aggregate classification (germline): Uncertain significance. Review status: criteria provided, multiple submitters, no conflicts (2 of 4 stars). 2 submissions from 2 submitters: Uncertain significance (2). Last evaluated 2025-05-14.

Conditions:
Inborn genetic diseases. Identifiers: MedGen C0950123, MeSH D030342.

gnomAD v4.1: 72 of 1,613,852 alleles (0.0045%); highest among the groups gnomAD compares: Middle Eastern, 0.016%; no homozygotes.

Submissions (2):

Ambry Genetics
Classification: Uncertain significance for Inborn genetic diseases. Last evaluated: 2025-05-14. Review status: criteria provided, single submitter. Criteria: Ambry Variant Classification Scheme 2023. Collection method: clinical testing. Allele origin: germline.

GeneDx
Classification: Uncertain significance. Last evaluated: 2025-03-07. Review status: criteria provided, single submitter. Criteria: GeneDx Variant Classification Process June 2021. Collection method: clinical testing. Allele origin: germline. Affected: yes.
Comment: In silico analysis supports that this missense variant has a deleterious effect on protein structure/function; In silico analysis is inconclusive as to whether the variant alters gene splicing. In the absence of RNA/functional studies, the actual effect of this sequence change is unknown.; Has not been previously published as pathogenic or benign to our knowledge

NM_002662.5(PLD1):c.949C>T (p.Arg317Trp)

Gene: PLD1 (phospholipase D1; minus strand). Cytogenetic location: 3q26.31.
Variant type: single nucleotide variant.
Coding change: c.949C>T on transcript NM_002662.5 (MANE Select); coding-DNA position 949, C replaced by T.
Protein change: p.Arg317Trp; replaces arginine 317 with tryptophan.
Molecular consequence: missense variant.
Genome position (GRCh38, 1-based): chr3:171,709,672, G>A on the plus strand (C>T on the coding strand, the complement: PLD1 is on the minus strand). VCF-style: chr3-171709672-G-A. GRCh37 (hg19) VCF-style: chr3-171427462-G-A.
Other names: c.949C>T, p.Arg317Trp (NM_001130081.3); short protein forms R317W.
Identifiers: ClinVar variation 3933862 (VCV003933862.2).